The following is an entry in ClinVar:

NM_003737.4(DCHS1):c.2158C>T (p.Leu720Phe)

Gene: DCHS1 (dachsous cadherin-related 1; minus strand). Cytogenetic location: 11p15.4.
Variant type: single nucleotide variant.
Coding change: c.2158C>T on transcript NM_003737.4 (MANE Select); coding-DNA position 2158, C replaced by T.
Protein change: p.Leu720Phe; replaces leucine 720 with phenylalanine.
Molecular consequence: missense variant.
Genome position (GRCh38, 1-based): chr11:6,633,849, G>A on the plus strand (C>T on the coding strand, the complement: DCHS1 is on the minus strand). VCF-style: chr11-6633849-G-A. GRCh37 (hg19) VCF-style: chr11-6655080-G-A.
Other names: short protein forms L720F.
Identifiers: ClinVar variation 3622200 (VCV003622200.2).

ClinVar aggregate classification (germline): Uncertain significance (1 of 4 stars; one submission).

Submission:

Labcorp Genetics (formerly Invitae), Labcorp
Classification: Uncertain significance. Last evaluated: 2024-07-08. Review status: criteria provided, single submitter. Criteria: Invitae Variant Classification Sherloc (09022015). Collection method: clinical testing. Allele origin: germline.
Comment: This sequence change replaces leucine, which is neutral and non-polar, with phenylalanine, which is neutral and non-polar, at codon 720 of the DCHS1 protein (p.Leu720Phe). This variant is not present in population databases (gnomAD no frequency). This variant has not been reported in the literature in individuals affected with DCHS1-related conditions. Advanced modeling of protein sequence and biophysical properties (such as structural, functional, and spatial information, amino acid conservation, physicochemical variation, residue mobility, and thermodynamic stability) performed at Invitae indicates that this missense variant is not expected to disrupt DCHS1 protein function with a negative predictive value of 80%. In summary, the available evidence is currently insufficient to determine the role of this variant in disease. Therefore, it has been classified as a Variant of Uncertain Significance.